The following is an entry in ClinVar:

NM_000834.5(GRIN2B):c.3224G>A (p.Gly1075Asp)

Gene: GRIN2B (glutamate ionotropic receptor NMDA type subunit 2B; minus strand). Cytogenetic location: 12p13.1.
Variant type: single nucleotide variant.
Coding change: c.3224G>A on transcript NM_000834.5 (MANE Select); coding-DNA position 3224, G replaced by A.
Protein change: p.Gly1075Asp; replaces glycine 1075 with aspartic acid.
Molecular consequence: missense variant.
Genome position (GRCh38, 1-based): chr12:13,564,014, C>T on the plus strand (G>A on the coding strand, the complement: GRIN2B is on the minus strand). VCF-style: chr12-13564014-C-T. GRCh37 (hg19) VCF-style: chr12-13716948-C-T.
Other names: c.3224G>A, p.Gly1075Asp (NM_001413992.1); short protein forms G1075D.
Identifiers: ClinVar variation 4074716 (VCV004074716.1).

ClinVar aggregate classification (germline): Uncertain significance (1 of 4 stars; one submission).

Submission:

GeneDx
Classification: Uncertain significance. Last evaluated: 2025-02-10. Review status: criteria provided, single submitter. Criteria: GeneDx Variant Classification Process June 2021. Collection method: clinical testing. Allele origin: germline. Affected: yes.
Comment: Not observed at significant frequency in large population cohorts (gnomAD); In silico analysis supports that this missense variant has a deleterious effect on protein structure/function; Has not been previously published as pathogenic or benign to our knowledge